The following is an entry in ClinVar:

NM_001710.6(CFB):c.1993G>A (p.Gly665Ser)

Gene: CFB (complement factor B; plus strand). Cytogenetic location: 6p21.33.
Variant type: single nucleotide variant.
Coding change: c.1993G>A on transcript NM_001710.6 (MANE Select); coding-DNA position 1993, G replaced by A.
Protein change: p.Gly665Ser; replaces glycine 665 with serine.
Molecular consequence: missense variant.
Genome position (GRCh38, 1-based): chr6:31,951,377, G>A. VCF-style: chr6-31951377-G-A. GRCh37 (hg19) VCF-style: chr6-31919154-G-A.
Other names: short protein forms G665S.
Identifiers: ClinVar variation 4686988 (VCV004686988.1).

ClinVar aggregate classification (germline): Uncertain significance (1 of 4 stars; one submission).

Submission:

GeneDx
Classification: Uncertain significance. Last evaluated: 2025-07-20. Review status: criteria provided, single submitter. Criteria: GeneDx Variant Classification Process June 2021. Collection method: clinical testing. Allele origin: germline. Affected: yes.
Comment: Not observed at significant frequency in large population cohorts (gnomAD); In silico analysis suggests that this missense variant does not alter protein structure/function; Has not been previously published as pathogenic or benign to our knowledge